The following is an entry in ClinVar:

ClinVar aggregate classification (germline): Benign/Likely benign. Review status: criteria provided, multiple submitters, no conflicts (2 of 4 stars). 11 submissions from 8 submitters: Benign (6); Likely benign (4). 1 of the submissions does not count toward it. Last evaluated 2026-02-02.

Conditions:
TTN-related disorder. Also called: TTN-related condition; TTN-related disease; TTN-related disorders.
Cardiovascular phenotype. Identifiers: MedGen CN230736.
Autosomal recessive limb-girdle muscular dystrophy type 2J (LGMDR10). Also called: MUSCULAR DYSTROPHY, LIMB-GIRDLE, AUTOSOMAL RECESSIVE 10; Limb-girdle muscular dystrophy, type 2J. Identifiers: Orphanet 140922, MedGen C1837342, MONDO:0012127, OMIM 608807.
Dilated cardiomyopathy 1G (CMD1G). Identifiers: Orphanet 154, MedGen C1858763, MONDO:0011400, OMIM 604145.
Tibial muscular dystrophy (TMD). Also called: Tibial muscular dystrophy, tardive; Udd Distal Myopathy – Tibial Muscular Dystrophy; UDD MYOPATHY. Identifiers: Orphanet 609, MedGen C1838244, MONDO:0010870, OMIM 600334.
Myopathy, myofibrillar, 9, with early respiratory failure (MFM9). Also called: Myopathy, distal, with early respiratory failure, autosomal dominant; EDSTROM MYOPATHY; MYOPATHY, PROXIMAL, WITH EARLY RESPIRATORY MUSCLE INVOLVEMENT; Hereditary myopathy with early respiratory failure. Identifiers: Orphanet 178464, Orphanet 34521, MedGen C1863599, MONDO:0011362, OMIM 603689.
Early-onset myopathy with fatal cardiomyopathy (CMYO5). Also called: CONGENITAL MYOPATHY 5 WITH CARDIOMYOPATHY; Salih Myopathy. Identifiers: Orphanet 289377, MedGen C2673677, MONDO:0012714, OMIM 611705. Disease mechanism: loss of function.
Hypertrophic cardiomyopathy 9. Also called: Familial hypertrophic cardiomyopathy 9. Identifiers: MedGen C1861065, MONDO:0013412, OMIM 613765.
Cardiomyopathy (CMYO). Also called: Cardiomyopathies. Identifiers: Orphanet 167848, MedGen C0878544, MONDO:0004994, HP:0001638. Inheritance: Various modes of inheritance.

Allele frequency attached by ClinVar (database versions not stated): gnomAD 0.00001 and 0.00013; TOPMed 0.00006; gnomAD exomes 0.00043; ExAC 0.00069; 1000 Genomes Project 30x 0.00125; 1000 Genomes Project 0.00140.
gnomAD v4.1: 271 of 1,601,204 alleles (0.017%); highest among the groups gnomAD compares: South Asian, 0.28%; 4 homozygotes.

Submissions (11):

Labcorp Genetics (formerly Invitae), Labcorp
Classification: Likely benign for Dilated cardiomyopathy 1G; Autosomal recessive limb-girdle muscular dystrophy type 2J. Last evaluated: 2026-02-02. Review status: criteria provided, single submitter. Criteria: Invitae Variant Classification Sherloc (09022015). Collection method: clinical testing. Allele origin: germline.

Fulgent Genetics
Classification: Likely benign for Tibial muscular dystrophy; Myopathy, myofibrillar, 9, with early respiratory failure; Dilated cardiomyopathy 1G; Autosomal recessive limb-girdle muscular dystrophy type 2J; Early-onset myopathy with fatal cardiomyopathy; Hypertrophic cardiomyopathy 9. Last evaluated: 2022-02-23. Review status: criteria provided, single submitter. Criteria: ACMG Guidelines, 2015. Collection method: clinical testing. Allele origin: unknown.

Genome-Nilou Lab
Classification: Benign for Autosomal recessive limb-girdle muscular dystrophy type 2J. Last evaluated: 2021-09-10. Review status: criteria provided, single submitter. Criteria: ACMG Guidelines, 2015. Collection method: clinical testing. Allele origin: germline. Affected: no.

Genome-Nilou Lab
Classification: Benign for Myopathy, myofibrillar, 9, with early respiratory failure. Last evaluated: 2021-09-10. Review status: criteria provided, single submitter. Criteria: ACMG Guidelines, 2015. Collection method: clinical testing. Allele origin: germline. Affected: no.

Genome-Nilou Lab
Classification: Benign for Early-onset myopathy with fatal cardiomyopathy. Last evaluated: 2021-09-10. Review status: criteria provided, single submitter. Criteria: ACMG Guidelines, 2015. Collection method: clinical testing. Allele origin: germline. Affected: no.

Genome-Nilou Lab
Classification: Benign for Tibial muscular dystrophy. Last evaluated: 2021-09-10. Review status: criteria provided, single submitter. Criteria: ACMG Guidelines, 2015. Collection method: clinical testing. Allele origin: germline. Affected: no.

Ambry Genetics
Classification: Benign for Cardiovascular phenotype. Last evaluated: 2020-09-16. Review status: criteria provided, single submitter. Criteria: Ambry Variant Classification Scheme 2023. Collection method: clinical testing. Allele origin: germline.

CHEO Genetics Diagnostic Laboratory, Children's Hospital of Eastern Ontario
Classification: Benign for Cardiomyopathy. Last evaluated: 2018-10-23. Review status: criteria provided, single submitter. Criteria: ACMG Guidelines, 2015. Collection method: clinical testing. Allele origin: germline.

GeneDx
Classification: Likely benign. Last evaluated: 2017-12-13. Review status: criteria provided, single submitter. Criteria: GeneDx Variant Classification (06012015). Collection method: clinical testing. Allele origin: germline. Affected: yes.
Comment: This variant is considered likely benign or benign based on one or more of the following criteria: it is a conservative change, it occurs at a poorly conserved position in the protein, it is predicted to be benign by multiple in silico algorithms, and/or has population frequency not consistent with disease.

Laboratory for Molecular Medicine, Mass General Brigham Personalized Medicine
Classification: Likely benign. Last evaluated: 2014-12-17. Review status: criteria provided, single submitter. Criteria: LMM Criteria. Collection method: clinical testing. Allele origin: germline. Observed: 1 variant allele.
Comment: p.Ala11369Val in exon 176 of TTN: This variant is not expected to have clinical significance it has been identified in 0.41% (49/11954) of South Asian chromosom es by the Exome Aggregation Consortium (ExAC).

PreventionGenetics, part of Exact Sciences
Classification: Likely benign for TTN-related condition. Last evaluated: 2022-12-28. Review status: no assertion criteria provided. Collection method: clinical testing. Allele origin: germline. Not counted in ClinVar's aggregate classification.
Comment: This variant is classified as likely benign based on ACMG/AMP sequence variant interpretation guidelines (Richards et al. 2015 PMID: 25741868, with internal and published modifications).

NM_001267550.2(TTN):c.41810C>T (p.Ala13937Val)

Gene: TTN (titin; minus strand). Cytogenetic location: 2q31.2.
Variant type: single nucleotide variant.
Coding change: c.41810C>T on transcript NM_001267550.2 (MANE Select); coding-DNA position 41810, C replaced by T.
Protein change: p.Ala13937Val; replaces alanine 13937 with valine.
Molecular consequence: missense variant.
Genome position (GRCh38, 1-based): chr2:178,635,514, G>A on the plus strand (C>T on the coding strand, the complement: TTN is on the minus strand). VCF-style: chr2-178635514-G-A. GRCh37 (hg19) VCF-style: chr2-179500241-G-A.
Other names: c.14615C>T, p.Ala4872Val (NM_003319.4); c.14990C>T, p.Ala4997Val (NM_133432.3); c.15191C>T, p.Ala5064Val (NM_133437.4); c.36887C>T, p.Ala12296Val (NM_001256850.1); c.34106C>T, p.Ala11369Val (NM_133378.4); short protein forms A11369V, A13937V, A12296V, A4997V, A4872V, A5064V.
Identifiers: ClinVar variation 179180 (VCV000179180.25), dbSNP rs545806408, ClinGen allele CA183885.